The following is an entry in ClinVar:

ClinVar aggregate classification (germline): Uncertain significance (1 of 4 stars; one submission).

Conditions:
Ullrich congenital muscular dystrophy 2 (UCMD2). Identifiers: Orphanet 75840, MedGen C4225314, MONDO:0014654, OMIM 616470.
Bethlem myopathy 2 (BTHLM2). Identifiers: Orphanet 536516, Orphanet 610, MedGen C4225313, MONDO:0034022, OMIM 616471.

Allele frequency attached by ClinVar (database versions not stated): gnomAD exomes below 0.00001 and 0.00001; TOPMed below 0.00001; ExAC 0.00001; gnomAD 0.00001.
gnomAD v4.1: 5 of 1,613,730 alleles (0.00031%); highest among the groups gnomAD compares: Non-Finnish European, 0.00042%; no homozygotes.

Submission:

Labcorp Genetics (formerly Invitae), Labcorp
Classification: Uncertain significance for Bethlem myopathy 2; Ullrich congenital muscular dystrophy 2. Last evaluated: 2020-12-01. Review status: criteria provided, single submitter. Criteria: Invitae Variant Classification Sherloc (09022015). Collection method: clinical testing. Allele origin: germline.
Comment: This variant is present in population databases (rs766034760, ExAC 0.002%). In summary, the available evidence is currently insufficient to determine the role of this variant in disease. Therefore, it has been classified as a Variant of Uncertain Significance. Nucleotide substitutions within the consensus splice site are a relatively common cause of aberrant splicing (PMID: 17576681, 9536098). Algorithms developed to predict the effect of sequence changes on RNA splicing suggest that this variant is not likely to affect RNA splicing, but this prediction has not been confirmed by published transcriptional studies. This variant has not been reported in the literature in individuals with COL12A1-related conditions. This sequence change falls in intron 45 of the COL12A1 gene. It does not directly change the encoded amino acid sequence of the COL12A1 protein. It affects a nucleotide within the consensus splice site of the intron.

Literature cited by the submitters: PubMed 17576681; PubMed 9536098.

NM_004370.6(COL12A1):c.7211-3T>C

Genes: COL12A1 (collagen type XII alpha 1 chain; minus strand), LOC126859712 (MED14-independent group 3 enhancer GRCh37_chr6:75828643-75829842; plus strand). Cytogenetic location: 6q13.
Variant type: single nucleotide variant.
Coding change: c.7211-3T>C on transcript NM_004370.6 (MANE Select); 3 bases into the intron before coding-DNA position 7211, T replaced by C.
Molecular consequence: intron variant.
Genome position (GRCh38, 1-based): chr6:75,119,189, A>G on the plus strand (T>C on the coding strand, the complement: COL12A1 is on the minus strand). VCF-style: chr6-75119189-A-G. GRCh37 (hg19) VCF-style: chr6-75828905-A-G.
Other names: c.3719-3T>C (NM_080645.3).
Identifiers: ClinVar variation 1519402 (VCV001519402.6), dbSNP rs766034760, ClinGen allele CA3892613.